The following is an entry in ClinVar:

ClinVar aggregate classification (germline): Pathogenic (1 of 4 stars; one submission).

Conditions:
Familial adenomatous polyposis 1 (FAP1). Also called: FAMILIAL ADENOMATOUS POLYPOSIS 1, ATTENUATED; POLYPOSIS, ADENOMATOUS INTESTINAL. Identifiers: MedGen C2713442, MONDO:0021056, OMIM 175100. Disease mechanism: loss of function.

Submission:

Myriad Genetics, Inc.
Classification: Pathogenic for Familial adenomatous polyposis 1. Last evaluated: 2023-05-15. Review status: criteria provided, single submitter. Criteria: Myriad Autosomal Dominant, Autosomal Recessive and X-Linked Classification Criteria (2023). Collection method: clinical testing. Allele origin: unknown.
Comment: This variant is considered pathogenic. This variant creates a termination codon and is predicted to result in premature protein truncation.

NM_000038.6(APC):c.6303G>A (p.Trp2101Ter)

Gene: APC (APC regulator of Wnt signaling pathway; plus strand). Cytogenetic location: 5q22.2.
Variant type: single nucleotide variant.
Coding change: c.6303G>A on transcript NM_000038.6 (MANE Select); coding-DNA position 6303, G replaced by A.
Protein change: p.Trp2101Ter; replaces tryptophan 2101 with a stop codon.
Molecular consequence: nonsense. On other transcripts: non-coding transcript variant (2).
Genome position (GRCh38, 1-based): chr5:112,841,897, G>A. VCF-style: chr5-112841897-G-A. GRCh37 (hg19) VCF-style: chr5-112177594-G-A.
Other names: c.6303G>A, p.Trp2101Ter (NM_001127510.3, NM_001354895.2, NM_001407450.1); c.6249G>A, p.Trp2083Ter (NM_001127511.3); c.6357G>A, p.Trp2119Ter (NM_001354896.2, NM_001407447.1, NM_001407448.1 and 1 more transcripts); c.6333G>A, p.Trp2111Ter (NM_001354897.2); c.6228G>A, p.Trp2076Ter (NM_001354898.2); c.6219G>A, p.Trp2073Ter (NM_001354899.2); c.6180G>A, p.Trp2060Ter (NM_001354900.2); c.6126G>A, p.Trp2042Ter (NM_001354901.2, NM_001407453.1); and 11 more; short protein forms W1717*, W1818*, W1941*, W1972*, W1975*, W2000*, W2010*, W2018*.
Identifiers: ClinVar variation 2584225 (VCV002584225.1), dbSNP rs2149961882, ClinGen allele CA16035135.